The following is an entry in ClinVar:

ClinVar aggregate classification (germline): Uncertain significance (1 of 4 stars; one submission).

Allele frequency attached by ClinVar (database versions not stated): ExAC 0.00001; gnomAD 0.00001; gnomAD exomes 0.00001; TOPMed 0.00003.
gnomAD v4.1: 19 of 1,610,558 alleles (0.0012%); highest among the groups gnomAD compares: Middle Eastern, 0.016%; no homozygotes.

Submission:

Labcorp Genetics (formerly Invitae), Labcorp
Classification: Uncertain significance. Last evaluated: 2022-04-04. Review status: criteria provided, single submitter. Criteria: Invitae Variant Classification Sherloc (09022015). Collection method: clinical testing. Allele origin: germline.
Comment: This sequence change replaces glutamic acid, which is acidic and polar, with lysine, which is basic and polar, at codon 817 of the CCDC88C protein (p.Glu817Lys). This variant is present in population databases (rs761905012, gnomAD 0.006%). This variant has not been reported in the literature in individuals affected with CCDC88C-related conditions. Algorithms developed to predict the effect of missense changes on protein structure and function are either unavailable or do not agree on the potential impact of this missense change (SIFT: "Tolerated"; PolyPhen-2: "Possibly Damaging"; Align-GVGD: "Class C0"). In summary, the available evidence is currently insufficient to determine the role of this variant in disease. Therefore, it has been classified as a Variant of Uncertain Significance.

NM_001080414.4(CCDC88C):c.2449G>A (p.Glu817Lys)

Gene: CCDC88C (coiled-coil domain containing 88C; minus strand). Cytogenetic location: 14q32.11.
Variant type: single nucleotide variant.
Coding change: c.2449G>A on transcript NM_001080414.4 (MANE Select); coding-DNA position 2449, G replaced by A.
Protein change: p.Glu817Lys; replaces glutamic acid 817 with lysine.
Molecular consequence: missense variant.
Genome position (GRCh38, 1-based): chr14:91,313,367, C>T on the plus strand (G>A on the coding strand, the complement: CCDC88C is on the minus strand). VCF-style: chr14-91313367-C-T. GRCh37 (hg19) VCF-style: chr14-91779711-C-T.
Other names: short protein forms E817K.
Identifiers: ClinVar variation 2188072 (VCV002188072.1), dbSNP rs761905012, ClinGen allele CA7309646.